The following is an entry in ClinVar:

NM_000169.3(GLA):c.476T>G (p.Phe159Cys)

Genes: GLA (galactosidase alpha; minus strand), RPL36A-HNRNPH2 (RPL36A-HNRNPH2 readthrough; plus strand). Cytogenetic location: Xq22.1.
Variant type: single nucleotide variant.
Coding change: c.476T>G on transcript NM_000169.3 (MANE Select); coding-DNA position 476, T replaced by G.
Protein change: p.Phe159Cys; replaces phenylalanine 159 with cysteine.
Molecular consequence: missense variant. On other transcripts: non-coding transcript variant (3), intron variant (2).
Genome position (GRCh38, 1-based): chrX:101,401,703, A>C on the plus strand (T>G on the coding strand, the complement: GLA is on the minus strand). VCF-style: chrX-101401703-A-C. GRCh37 (hg19) VCF-style: chrX-100656691-A-C.
Other names: c.599T>G, p.Phe200Cys (NM_001406747.1, NM_001406749.1); c.476T>G, p.Phe159Cys (NM_001406748.1); c.300+6246A>C (NM_001199973.2); c.177+9881A>C (NM_001199974.2); short protein forms F159C, F200C.
Identifiers: ClinVar variation 453318 (VCV000453318.11), dbSNP rs1555985814, ClinGen allele CA413929340.

ClinVar aggregate classification (germline): Conflicting classifications of pathogenicity. Review status: criteria provided, conflicting classifications (1 of 4 stars). 2 submissions from 2 submitters: Pathogenic (1); Uncertain significance (1). Last evaluated 2026-09-08.

Conditions:
Fabry disease. Also called: Fabry's disease; Angiokeratoma corporis diffusum; GLA DEFICIENCY; HEREDITARY DYSTOPIC LIPIDOSIS; ALPHA-GALACTOSIDASE A DEFICIENCY; ANDERSON-FABRY DISEASE. Identifiers: Orphanet 324, MedGen C0002986, MONDO:0010526, OMIM 301500, HP:0001071. Disease mechanism: loss of function, Fabry disease is due to inactivating mutations in the X-linked GLA gene resulting in deficiency of the enzyme Alpha Galactosidase-A..

Submissions (2):

Genomenon, Inc
Classification: Uncertain significance for Fabry disease. Last evaluated: 2026-09-08. Review status: criteria provided, single submitter. Criteria: Genomenon Sequence Variant Interpretation Standards - Updated. Collection method: curation. Allele origin: germline. Affected: yes.
Comment: GLA p.Phe159Cys (c.476T>G) is a missense variant that changes the amino acid at codon 159 from Phenylalanine to Cysteine. This variant has been observed in at least one proband with clinical features consistent with Fabry disease (PMID:32418857). Functional or patient cell studies have been reported (PMID:32418857). It is absent or not present at a significant frequency in gnomAD. In silico models predict that this variant is possibly or probably damaging. In conclusion, we classify GLA p.Phe159Cys (c.476T>G) as a variant of uncertain significance.

Labcorp Genetics (formerly Invitae), Labcorp
Classification: Pathogenic for Fabry disease. Last evaluated: 2024-04-10. Review status: criteria provided, single submitter. Criteria: Invitae Variant Classification Sherloc (09022015). Collection method: clinical testing. Allele origin: germline.
Comment: This sequence change replaces phenylalanine, which is neutral and non-polar, with cysteine, which is neutral and slightly polar, at codon 159 of the GLA protein (p.Phe159Cys). This variant is not present in population databases (gnomAD no frequency). This missense change has been observed in individual(s) with Fabry disease and confirmed low GLA enzymatic activity (PMID: 32418857; Invitae). ClinVar contains an entry for this variant (Variation ID: 453318). Advanced modeling of protein sequence and biophysical properties (such as structural, functional, and spatial information, amino acid conservation, physicochemical variation, residue mobility, and thermodynamic stability) performed at Invitae indicates that this missense variant is expected to disrupt GLA protein function with a positive predictive value of 80%. For these reasons, this variant has been classified as Pathogenic.

Literature cited by the submitters: PubMed 32418857 (cited by Genomenon, Inc and Labcorp Genetics (formerly Invitae), Labcorp).